The following is an entry in ClinVar:

ClinVar aggregate classification (germline): Likely pathogenic (1 of 4 stars; one submission).

Conditions:
Familial cancer of breast. Also called: hereditary breast carcinoma; Hereditary breast cancer; BREAST CANCER, FAMILIAL. Identifiers: Orphanet 227535, MedGen C0346153, MONDO:0016419, OMIM 114480. Disease mechanism: loss of function.

Submission:

Labcorp Genetics (formerly Invitae), Labcorp
Classification: Likely pathogenic for Familial cancer of breast. Last evaluated: 2021-12-08. Review status: criteria provided, single submitter. Criteria: Invitae Variant Classification Sherloc (09022015). Collection method: clinical testing. Allele origin: germline.
Comment: In summary, the currently available evidence indicates that the variant is pathogenic, but additional data are needed to prove that conclusively. Therefore, this variant has been classified as Likely Pathogenic. This variant disrupts the nuclear localization signal (NLS) of the CHEK2 protein, which is critical for proper nuclear localization (PMID: 18004398, 12909615). While functional studies have not been performed to directly test the effect of this variant on CHEK2 protein function, this suggests that disruption of this region of the protein is causative of disease. This variant has not been reported in the literature in individuals affected with CHEK2-related conditions. This variant is not present in population databases (gnomAD no frequency). This sequence change creates a premature translational stop signal (p.Pro509Serfs*11) in the CHEK2 gene. While this is not anticipated to result in nonsense mediated decay, it is expected to disrupt the last 35 amino acid(s) of the CHEK2 protein.

Literature cited by the submitters: PubMed 18004398; PubMed 12909615.

NM_007194.4(CHEK2):c.1520_1523dup (p.Pro509fs)

Gene: CHEK2 (checkpoint kinase 2; minus strand). Cytogenetic location: 22q12.1.
Variant type: Microsatellite.
Coding change: c.1520_1523dup on transcript NM_007194.4 (MANE Select); coding-DNA positions 1520 to 1523, 4 bases duplicated (CTCT; older notation c.1520_1523dupCTCT).
Protein change: p.Pro509fs; shifts the reading frame from proline 509.
Molecular consequence: frameshift variant.
Genome position (GRCh38, 1-based): chr22:28,689,154-28,689,157, AGAG duplicated on the plus strand (CTCT on the coding strand, the reverse complement: CHEK2 is on the minus strand). VCF-style (leftmost placement, unchanged base first): chr22-28689153-T-TAGAG. GRCh37 (hg19) VCF-style: chr22-29085141-T-TAGAG.
Other names: c.1649_1650CT[4], p.Pro552Serfs (NM_001005735.3); c.857_858CT[4], p.Pro288Serfs (NM_001257387.3); c.1319_1320CT[4], p.Pro442Serfs (NM_001349956.3); c.1433_1434CT[4], p.Pro480Serfs (NM_145862.3); short protein forms P509fs, P442fs, P288fs, P480fs, P552fs.
Identifiers: ClinVar variation 1347867 (VCV001347867.7), dbSNP rs2145748685, ClinGen allele CA2580615272.
Genomic context (GRCh38, chr22:28,689,153, plus strand): 5'-TAAGCCCAGACTACATTTAGTGATCATCAGGAATACGAATACCTGGGCTAGAACCTGGGG[T>TAGAG]AGAGCTGTGGATTCATTTTCCTCAGACAGAAGATCTTGAAACTTTCTCTTCATGTCTTCA-3'